The following is an entry in ClinVar:

ClinVar aggregate classification (germline): Uncertain significance (1 of 4 stars; one submission).

Allele frequency attached by ClinVar (database versions not stated): gnomAD 0.00001; ExAC 0.00003.
gnomAD v4.1: 24 of 1,613,306 alleles (0.0015%); highest among the groups gnomAD compares: Admixed American, 0.005%; no homozygotes.

Submission:

Labcorp Genetics (formerly Invitae), Labcorp
Classification: Uncertain significance. Last evaluated: 2023-10-05. Review status: criteria provided, single submitter. Criteria: Invitae Variant Classification Sherloc (09022015). Collection method: clinical testing. Allele origin: germline.
Comment: This sequence change replaces leucine, which is neutral and non-polar, with methionine, which is neutral and non-polar, at codon 1089 of the DIP2C protein (p.Leu1089Met). This variant is present in population databases (rs199521796, gnomAD 0.06%). This variant has not been reported in the literature in individuals affected with DIP2C-related conditions. An algorithm developed to predict the effect of missense changes on protein structure and function (PolyPhen-2) suggests that this variant is likely to be tolerated. In summary, the available evidence is currently insufficient to determine the role of this variant in disease. Therefore, it has been classified as a Variant of Uncertain Significance.

NM_014974.3(DIP2C):c.3265C>A (p.Leu1089Met)

Genes: DIP2C (DIP2 acetate--CoA ligase C (putative); minus strand), LOC126860805 (BRD4-independent group 4 enhancer GRCh37_chr10:390524-391723; plus strand). Cytogenetic location: 10p15.3.
Variant type: single nucleotide variant.
Coding change: c.3265C>A on transcript NM_014974.3 (MANE Select); coding-DNA position 3265, C replaced by A.
Protein change: p.Leu1089Met; replaces leucine 1089 with methionine.
Molecular consequence: missense variant.
Genome position (GRCh38, 1-based): chr10:345,077, G>T on the plus strand (C>A on the coding strand, the complement: DIP2C is on the minus strand). VCF-style: chr10-345077-G-T. GRCh37 (hg19) VCF-style: chr10-391017-G-T.
Other names: short protein forms L1089M.
Identifiers: ClinVar variation 2721964 (VCV002721964.3), dbSNP rs199521796, ClinGen allele CA5380037.